The following is an entry in ClinVar:

ClinVar aggregate classification (germline): Benign/Likely benign. Review status: criteria provided, multiple submitters, no conflicts (2 of 4 stars). 3 submissions from 3 submitters: Benign (1); Likely benign (2). Last evaluated 2025-03-11.

Conditions:
Hereditary cancer-predisposing syndrome. Also called: Neoplastic Syndromes, Hereditary; Hereditary Cancer Syndrome; Tumor predisposition; Hereditary neoplastic syndrome. Identifiers: Orphanet 140162, MedGen C0027672, MeSH D009386, MONDO:0015356.
Hereditary diffuse gastric adenocarcinoma (HDGC). Also called: DIFFUSE GASTRIC AND LOBULAR BREAST CANCER SYNDROME. Identifiers: Orphanet 26106, MedGen C1708349, MONDO:0007648, OMIM 137215.

Submissions (3):

Labcorp Genetics (formerly Invitae), Labcorp
Classification: Likely benign. Last evaluated: 2025-03-11. Review status: criteria provided, single submitter. Criteria: Invitae Variant Classification Sherloc (09022015). Collection method: clinical testing. Allele origin: germline.

Myriad Genetics, Inc.
Classification: Benign for Hereditary diffuse gastric adenocarcinoma. Last evaluated: 2024-10-10. Review status: criteria provided, single submitter. Criteria: Myriad Autosomal Dominant, Autosomal Recessive and X-Linked Classification Criteria (2023). Collection method: clinical testing. Allele origin: unknown.
Comment: This variant is considered benign. This variant is a silent/synonymous amino acid change and it is not expected to impact splicing.

Ambry Genetics
Classification: Likely benign for Hereditary cancer-predisposing syndrome. Last evaluated: 2023-04-01. Review status: criteria provided, single submitter. Criteria: Ambry Variant Classification Scheme 2023. Collection method: clinical testing. Allele origin: germline.

NM_001903.5(CTNNA1):c.834G>A (p.Leu278=)

Gene: CTNNA1 (catenin alpha 1; plus strand). Cytogenetic location: 5q31.2.
Variant type: single nucleotide variant.
Coding change: c.834G>A on transcript NM_001903.5 (MANE Select); coding-DNA position 834, G replaced by A.
Protein change: p.Leu278=; no amino-acid change (leucine 278 retained).
Molecular consequence: synonymous variant.
Genome position (GRCh38, 1-based): chr5:138,824,775, G>A. VCF-style: chr5-138824775-G-A. GRCh37 (hg19) VCF-style: chr5-138160464-G-A.
Other names: c.834G>A (NM_001903.2); c.834G>A, p.Leu278= (NM_001290307.3, NM_001323982.2, NM_001323983.1 and 3 more transcripts); c.525G>A, p.Leu175= (NM_001290309.3); c.465G>A, p.Leu155= (NM_001290310.3).
Identifiers: ClinVar variation 793914 (VCV000793914.11), dbSNP rs1581168236, ClinGen allele CA446595085.